The following is an entry in ClinVar:

ClinVar aggregate classification (germline): Uncertain significance (1 of 4 stars; one submission).

gnomAD v4.1: 1 of 1,610,266 alleles (0.000062%); highest among the groups gnomAD compares: Non-Finnish European, 0.000085%; no homozygotes.

Submission:

CeGaT Center for Human Genetics Tuebingen
Classification: Uncertain significance. Last evaluated: 2025-09-01. Review status: criteria provided, single submitter. Criteria: CeGaT Center For Human Genetics Tuebingen Variant Classification Criteria Version 2. Collection method: clinical testing. Allele origin: germline. Affected: yes. Observed: 1 variant allele.
Comment: RICTOR: PM2, PP3, PS2:Supporting

NM_152756.5(RICTOR):c.436G>A (p.Ala146Thr)

Gene: RICTOR (RPTOR independent companion of MTOR complex 2; minus strand). Cytogenetic location: 5p13.1.
Variant type: single nucleotide variant.
Coding change: c.436G>A on transcript NM_152756.5 (MANE Select); coding-DNA position 436, G replaced by A.
Protein change: p.Ala146Thr; replaces alanine 146 with threonine.
Molecular consequence: missense variant. On other transcripts: 5 prime UTR variant (1).
Genome position (GRCh38, 1-based): chr5:38,996,839, C>T on the plus strand (G>A on the coding strand, the complement: RICTOR is on the minus strand). VCF-style: chr5-38996839-C-T. GRCh37 (hg19) VCF-style: chr5-38996941-C-T.
Other names: c.436G>A, p.Ala146Thr (NM_001285439.2, NM_001438007.1, NM_001438248.1); c.-418G>A (NM_001285440.2); c.388G>A, p.Ala130Thr (NM_001438049.1, NM_001438246.1, NM_001438247.1 and 1 more transcripts); short protein forms A130T, A146T.
Identifiers: ClinVar variation 4281368 (VCV004281368.7).